The following is an entry in ClinVar:

Single allele

Genes: LOC105379109 (uncharacterized LOC105379109; minus strand), LOC132089160 (Neanderthal introgressed variant-containing enhancer experimental_80715; plus strand). Cytogenetic location: 5q21.2.
Variant type: Deletion.
Identifiers: ClinVar variation 156989 (VCV000156989.2).

ClinVar aggregate classification (germline): not provided (0 of 4 stars; one submission).

Conditions:
Large for gestational age. Identifiers: MedGen C1848395, HP:0001520.

Submission:

Institute of Molecular and Cell Biology, University of Tartu
No classification provided. Condition: Large for gestational age. Review status: no classification provided. Collection method: case-control. Allele origin: unknown. Affected: yes. Study: Kasak2014.
Comment: The study aimed to determine the contribution of copy number variants in the genetic etiology of normal and complicated pregnancies. The samples represented (i) maternal blood DNA drawn from healthy pregnant women during 1st or 2nd trimester and (ii) maternal and paternal blood DNA drawn at term pregnancy cases representing normal and complicated gestations (severe preeclampsia, PE; gestational diabetes, GD; small-for-gestational age newborn, SGA; large-for-gestational age newborn, LGA). We performed CNV calling based on genome-wide genotyping dataset (Illumina HumanOmniExpress-24-v1 BeadChip) by applying three algorithms, QuantiSNP, GADA (Genome Alteration Detection Algorithm) and CNstream in parallel. The acquired CNV calls were merged with HD-CNV (Hotspot Detector for Copy Number Variants) program and only the CNVs predicted by at least two programs, were considered in subsequent analysis.

Literature cited by the submitters: PubMed 25666259.